The following is an entry in ClinVar:

ClinVar aggregate classification (germline): Uncertain significance (1 of 4 stars; one submission).

Conditions:
Catecholaminergic polymorphic ventricular tachycardia 1. Also called: VENTRICULAR TACHYCARDIA, CATECHOLAMINERGIC POLYMORPHIC, 1, WITH OR WITHOUT ATRIAL DYSFUNCTION AND/OR DILATED CARDIOMYOPATHY; RYR2-Related Catecholaminergic Polymorphic Ventricular Tachycardia; VENTRICULAR TACHYCARDIA, STRESS-INDUCED POLYMORPHIC 1. Identifiers: Orphanet 3286, MedGen C1631597, MONDO:0011484, OMIM 604772.

Allele frequency attached by ClinVar (database versions not stated): gnomAD exomes below 0.00001; ExAC 0.00001.

Submission:

Labcorp Genetics (formerly Invitae), Labcorp
Classification: Uncertain significance for Catecholaminergic polymorphic ventricular tachycardia 1. Last evaluated: 2019-10-03. Review status: criteria provided, single submitter. Criteria: Invitae Variant Classification Sherloc (09022015). Collection method: clinical testing. Allele origin: germline.
Comment: This variant is present in population databases (rs762237329, ExAC 0.009%). This sequence change replaces alanine with threonine at codon 3943 of the RYR2 protein (p.Ala3943Thr). The alanine residue is highly conserved and there is a small physicochemical difference between alanine and threonine. In summary, the available evidence is currently insufficient to determine the role of this variant in disease. Therefore, it has been classified as a Variant of Uncertain Significance. Algorithms developed to predict the effect of missense changes on protein structure and function (SIFT, PolyPhen-2, Align-GVGD) all suggest that this variant is likely to be disruptive, but these predictions have not been confirmed by published functional studies and their clinical significance is uncertain. This variant has been observed in an individual affected with sudden unexplained death (PMID: 24631775).

Literature cited by the submitters: PubMed 24631775.

NM_001035.3(RYR2):c.11827G>A (p.Ala3943Thr)

Gene: RYR2 (ryanodine receptor 2; plus strand). Cytogenetic location: 1q43.
Variant type: single nucleotide variant.
Coding change: c.11827G>A on transcript NM_001035.3 (MANE Select); coding-DNA position 11827, G replaced by A.
Protein change: p.Ala3943Thr; replaces alanine 3943 with threonine.
Molecular consequence: missense variant.
Genome position (GRCh38, 1-based): chr1:237,778,717, G>A. VCF-style: chr1-237778717-G-A. GRCh37 (hg19) VCF-style: chr1-237942017-G-A.
Other names: short protein forms A3943T.
Identifiers: ClinVar variation 965724 (VCV000965724.11), dbSNP rs762237329, ClinGen allele CA085064.
Genomic context (GRCh38, chr1:237,778,717, plus strand): 5'-ATGCTCCAGGGTCCTTGCACTGGGAATCAACAGAGTTTGGCACACAGCAGGCTGTGGGAT[G>A]CTGTGGTCGGCTTTCTTCATGTGTTTGCCCATATGCAGATGAAGCTGTCGCAGGTAAACT-3'
Protein context (NP_001026.2, residues 3933-3953): QSLAHSRLWD[Ala3943Thr]VVGFLHVFAH